The following is an entry in ClinVar:

ClinVar aggregate classification (germline): Uncertain significance. Review status: criteria provided, multiple submitters, no conflicts (2 of 4 stars). 2 submissions from 2 submitters: Uncertain significance (2). Last evaluated 2024-12-10.

Allele frequency attached by ClinVar (database versions not stated): gnomAD exomes below 0.00001 and 0.00002; gnomAD 0.00001.
gnomAD v4.1: 41 of 1,613,790 alleles (0.0025%); highest among the groups gnomAD compares: Non-Finnish European, 0.0031%; no homozygotes.

Submissions (2):

Ambry Genetics
Classification: Uncertain significance. Last evaluated: 2024-12-10. Review status: criteria provided, single submitter. Criteria: Ambry Variant Classification Scheme 2023. Collection method: clinical testing. Allele origin: germline.

Labcorp Genetics (formerly Invitae), Labcorp
Classification: Uncertain significance. Last evaluated: 2024-08-05. Review status: criteria provided, single submitter. Criteria: Invitae Variant Classification Sherloc (09022015). Collection method: clinical testing. Allele origin: germline.
Comment: This sequence change replaces serine, which is neutral and polar, with phenylalanine, which is neutral and non-polar, at codon 773 of the CEP89 protein (p.Ser773Phe). This variant is present in population databases (no rsID available, gnomAD 0.002%). This variant has not been reported in the literature in individuals affected with CEP89-related conditions. ClinVar contains an entry for this variant (Variation ID: 1507541). An algorithm developed to predict the effect of missense changes on protein structure and function outputs the following: PolyPhen-2: "Benign". The phenylalanine amino acid residue is found in multiple mammalian species, which suggests that this missense change does not adversely affect protein function. In summary, the available evidence is currently insufficient to determine the role of this variant in disease. Therefore, it has been classified as a Variant of Uncertain Significance.

NM_032816.5(CEP89):c.2318C>T (p.Ser773Phe)

Gene: CEP89 (centrosomal protein 89; minus strand). Cytogenetic location: 19q13.11.
Variant type: single nucleotide variant.
Coding change: c.2318C>T on transcript NM_032816.5 (MANE Select); coding-DNA position 2318, C replaced by T.
Protein change: p.Ser773Phe; replaces serine 773 with phenylalanine.
Molecular consequence: missense variant.
Genome position (GRCh38, 1-based): chr19:32,879,196, G>A on the plus strand (C>T on the coding strand, the complement: CEP89 is on the minus strand). VCF-style: chr19-32879196-G-A. GRCh37 (hg19) VCF-style: chr19-33370102-G-A.
Other names: c.2318C>T (NM_032816.3); short protein forms S773F.
Identifiers: ClinVar variation 1507541 (VCV001507541.10), dbSNP rs929169627, ClinGen allele CA307526233.